The following is an entry in ClinVar:

ClinVar aggregate classification (germline): Uncertain significance (1 of 4 stars; one submission).

Conditions:
Primary ciliary dyskinesia. Also called: Ciliary dyskinesia. Identifiers: Orphanet 244, MedGen C0008780, MONDO:0016575, HP:0012265.

Submission:

Labcorp Genetics (formerly Invitae), Labcorp
Classification: Uncertain significance for Primary ciliary dyskinesia. Last evaluated: 2026-01-08. Review status: criteria provided, single submitter. Criteria: Invitae Variant Classification Sherloc (09022015). Collection method: clinical testing. Allele origin: germline.
Comment: This sequence change replaces glycine, which is neutral and non-polar, with arginine, which is basic and polar, at codon 2026 of the DNAH5 protein (p.Gly2026Arg). This variant is not present in population databases (gnomAD no frequency). This variant has not been reported in the literature in individuals affected with DNAH5-related conditions. Invitae Evidence Modeling of protein sequence and biophysical properties (such as structural, functional, and spatial information, amino acid conservation, physicochemical variation, residue mobility, and thermodynamic stability) has been performed for this missense variant. However, the output from this modeling did not meet the statistical confidence thresholds required to predict the impact of this variant on DNAH5 protein function. In summary, the available evidence is currently insufficient to determine the role of this variant in disease. Therefore, it has been classified as a Variant of Uncertain Significance.

NM_001369.3(DNAH5):c.6076G>A (p.Gly2026Arg)

Gene: DNAH5 (dynein axonemal heavy chain 5; minus strand). Cytogenetic location: 5p15.2.
Variant type: single nucleotide variant.
Coding change: c.6076G>A on transcript NM_001369.3 (MANE Select); coding-DNA position 6076, G replaced by A.
Protein change: p.Gly2026Arg; replaces glycine 2026 with arginine.
Molecular consequence: missense variant.
Genome position (GRCh38, 1-based): chr5:13,830,199, C>T on the plus strand (G>A on the coding strand, the complement: DNAH5 is on the minus strand). VCF-style: chr5-13830199-C-T. GRCh37 (hg19) VCF-style: chr5-13830308-C-T.
Other names: short protein forms G2026R.
Identifiers: ClinVar variation 4701957 (VCV004701957.1).